The following is an entry in ClinVar:

NM_000081.4(LYST):c.45T>C (p.Asp15=)

Gene: LYST (lysosomal trafficking regulator; minus strand). Cytogenetic location: 1q42.3.
Variant type: single nucleotide variant.
Coding change: c.45T>C on transcript NM_000081.4 (MANE Select); coding-DNA position 45, T replaced by C.
Protein change: p.Asp15=; no amino-acid change (aspartic acid 15 retained).
Molecular consequence: synonymous variant. On other transcripts: non-coding transcript variant (1).
Genome position (GRCh38, 1-based): chr1:235,830,373, A>G on the plus strand (T>C on the coding strand, the complement: LYST is on the minus strand). VCF-style: chr1-235830373-A-G. GRCh37 (hg19) VCF-style: chr1-235993673-A-G.
Other names: c.45T>C, p.Asp15= (NM_001301365.1).
Identifiers: ClinVar variation 1694320 (VCV001694320.8), dbSNP rs1675833748, ClinGen allele CA423776602.

ClinVar aggregate classification (germline): Conflicting classifications of pathogenicity. Review status: criteria provided, conflicting classifications (1 of 4 stars). 3 submissions from 3 submitters: Uncertain significance (1); Likely benign (1). 1 of the submissions does not count toward it. Last evaluated 2024-10-22.

Conditions:
Autoinflammatory syndrome. Identifiers: Orphanet 93665, MedGen C3890737, MONDO:0019751.
Chédiak-Higashi syndrome (CHS). Also called: Chediak-Higashi Syndrome. Identifiers: Orphanet 167, MedGen C0007965, MONDO:0008963, OMIM 214500.
LYST-related disorder. Also called: LYST-related condition.

Allele frequency attached by ClinVar (database versions not stated): gnomAD 0.00001; gnomAD exomes 0.00001.

Submissions (3):

Labcorp Genetics (formerly Invitae), Labcorp
Classification: Likely benign for Chédiak-Higashi syndrome. Last evaluated: 2024-10-22. Review status: criteria provided, single submitter. Criteria: Invitae Variant Classification Sherloc (09022015). Collection method: clinical testing. Allele origin: germline.

Genome Diagnostics Laboratory, The Hospital for Sick Children
Classification: Uncertain significance for Autoinflammatory syndrome. Last evaluated: 2020-08-21. Review status: criteria provided, single submitter. Criteria: ACMG Guidelines, 2015. Collection method: clinical testing. Allele origin: germline. Affected: yes.

PreventionGenetics, part of Exact Sciences
Classification: Likely benign for LYST-related condition. Last evaluated: 2019-11-05. Review status: no assertion criteria provided. Collection method: clinical testing. Allele origin: germline. Not counted in ClinVar's aggregate classification.
Comment: This variant is classified as likely benign based on ACMG/AMP sequence variant interpretation guidelines (Richards et al. 2015 PMID: 25741868, with internal and published modifications).